The following is an entry in ClinVar:

ClinVar aggregate classification (germline): Likely benign (1 of 4 stars; one submission).

gnomAD v4.1: 206 of 1,614,038 alleles (0.013%); highest among the groups gnomAD compares: Non-Finnish European, 0.016%; 1 homozygote.

Submission:

CeGaT Center for Human Genetics Tuebingen
Classification: Likely benign. Last evaluated: 2026-10-01. Review status: criteria provided, single submitter. Criteria: CeGaT Center For Human Genetics Tuebingen Variant Classification Criteria Version 2. Collection method: clinical testing. Allele origin: germline. Affected: yes. Observed: 1 variant allele.
Comment: ZFHX3: BP4, BP7

NM_006885.4(ZFHX3):c.7887C>T (p.Asn2629=)

Genes: ZFHX3 (zinc finger homeobox 3; minus strand), ZFHX3-AS1 (ZFHX3 antisense RNA 1; plus strand). Cytogenetic location: 16q22.2.
Variant type: single nucleotide variant.
Coding change: c.7887C>T on transcript NM_006885.4 (MANE Select); coding-DNA position 7887, C replaced by T.
Protein change: p.Asn2629=; no amino-acid change (asparagine 2629 retained).
Molecular consequence: synonymous variant.
Genome position (GRCh38, 1-based): chr16:72,794,795, G>A on the plus strand (C>T on the coding strand, the complement: ZFHX3 is on the minus strand). VCF-style: chr16-72794795-G-A. GRCh37 (hg19) VCF-style: chr16-72828694-G-A.
Other names: c.5145C>T, p.Asn1715= (NM_001164766.2); c.7887C>T, p.Asn2629= (NM_001386735.1).
Identifiers: ClinVar variation 5040950 (VCV005040950.1).
Genomic context (GRCh38, chr16:72,794,795, plus strand): 5'-TGTGATGGTTGTTCTCAAACGCTTGTCTCTCTGAGGCTCTTCTCCTCCTGTCCCACTGTC[G>A]TTTTCGCCAGGGCTTGCACTGGCCTTTTCCTCCAGCTTCCTCTTGAGAGTGTTCATTGTG-3'
Protein context (NP_008816.3, residues 2619-2639): EEKASASPGE[Asn2629=]DSGTGGEEPQ